The following is an entry in ClinVar:

ClinVar aggregate classification (germline): Uncertain significance. Review status: criteria provided, multiple submitters, no conflicts (2 of 4 stars). 2 submissions from 2 submitters: Uncertain significance (2). Last evaluated 2024-03-12.

Conditions:
Weiss-Kruszka syndrome. Also called: Metopic ridging-ptosis-facial dysmorphism syndrome. Identifiers: Orphanet 502430, MedGen C5568107, MONDO:0032836, OMIM 618619.
Inborn genetic diseases. Identifiers: MedGen C0950123, MeSH D030342.

Allele frequency attached by ClinVar (database versions not stated): gnomAD exomes below 0.00001; TOPMed below 0.00001; gnomAD 0.00001.
gnomAD v4.1: 5 of 1,614,002 alleles (0.00031%); highest among the groups gnomAD compares: African/African-American, 0.0013%; no homozygotes.

Submissions (2):

Broad Center for Mendelian Genomics, Broad Institute of MIT and Harvard
Classification: Uncertain significance for Weiss-Kruszka syndrome. Last evaluated: 2024-03-12. Review status: criteria provided, single submitter. Criteria: ACMG Guidelines, 2015. Collection method: curation. Allele origin: germline. Inheritance: Autosomal dominant inheritance.
Comment: This variant has been identified in 0.03% [1/3468] of Ashkenazi Jewish and 0.002% of African/ African American [1/41430] chromosomes by the Genome Aggregation Database (gnomAD; dbSNP rs1005512175). Although this variant has been seen in the general population in a heterozygous state, its frequency is not high enough to rule out a pathogenic role. Pathogenic variants may be present at a low frequency in the general population, for diseases with clinical variability, or reduced penetrance. The number of missense variants reported in ZNF462 in the general population is lower than expected, suggesting there is little benign variation in this gene and slightly increasing the possibility that a missense variant in this gene may not be tolerated. Computational prediction tools, including splice predictors, and conservation analyses suggest that this variant may not impact the protein, though this information is not predictive enough to rule out pathogenicity. In summary, the clinical significance of the p.Thr976Ala variant is uncertain. ACMG/AMP Criteria applied: BP4, PP2 (Richards 2015).

Ambry Genetics
Classification: Uncertain significance for Inborn genetic diseases. Last evaluated: 2023-09-22. Review status: criteria provided, single submitter. Criteria: Ambry Variant Classification Scheme 2023. Collection method: clinical testing. Allele origin: germline.

Literature cited by the submitters: PubMed 39033378 (cited by Broad Center for Mendelian Genomics, Broad Institute of MIT and Harvard).

NM_021224.6(ZNF462):c.2926A>G (p.Thr976Ala)

Gene: ZNF462 (zinc finger protein 462; plus strand). Cytogenetic location: 9q31.2.
Variant type: single nucleotide variant.
Coding change: c.2926A>G on transcript NM_021224.6 (MANE Select); coding-DNA position 2926, A replaced by G.
Protein change: p.Thr976Ala; replaces threonine 976 with alanine.
Molecular consequence: missense variant.
Genome position (GRCh38, 1-based): chr9:106,926,838, A>G. VCF-style: chr9-106926838-A-G. GRCh37 (hg19) VCF-style: chr9-109689119-A-G.
Other names: NM_001347997.2:c.2926A>G; c.2926A>G, p.Thr976Ala (NM_001347997.2); c.2926A>G (NM_021224.4); short protein forms T976A.
Identifiers: ClinVar variation 3061836 (VCV003061836.2), dbSNP rs1005512175, ClinGen allele CA197489562.